The following is an entry in ClinVar:

ClinVar aggregate classification (germline): Uncertain significance (1 of 4 stars; one submission).

Submission:

Labcorp Genetics (formerly Invitae), Labcorp
Classification: Uncertain significance. Last evaluated: 2024-04-17. Review status: criteria provided, single submitter. Criteria: Invitae Variant Classification Sherloc (09022015). Collection method: clinical testing. Allele origin: germline.
Comment: This sequence change replaces cysteine, which is neutral and slightly polar, with arginine, which is basic and polar, at codon 316 of the CUL3 protein (p.Cys316Arg). This variant is not present in population databases (gnomAD no frequency). This variant has not been reported in the literature in individuals affected with CUL3-related conditions. Advanced modeling of protein sequence and biophysical properties (such as structural, functional, and spatial information, amino acid conservation, physicochemical variation, residue mobility, and thermodynamic stability) performed at Invitae indicates that this missense variant is not expected to disrupt CUL3 protein function with a negative predictive value of 80%. In summary, the available evidence is currently insufficient to determine the role of this variant in disease. Therefore, it has been classified as a Variant of Uncertain Significance.

NM_003590.5(CUL3):c.946T>C (p.Cys316Arg)

Gene: CUL3 (cullin 3; minus strand). Cytogenetic location: 2q36.2.
Variant type: single nucleotide variant.
Coding change: c.946T>C on transcript NM_003590.5 (MANE Select); coding-DNA position 946, T replaced by C.
Protein change: p.Cys316Arg; replaces cysteine 316 with arginine.
Molecular consequence: missense variant.
Genome position (GRCh38, 1-based): chr2:224,506,941, A>G on the plus strand (T>C on the coding strand, the complement: CUL3 is on the minus strand). VCF-style: chr2-224506941-A-G. GRCh37 (hg19) VCF-style: chr2-225371658-A-G.
Other names: c.748T>C, p.Cys250Arg (NM_001257197.2); c.964T>C, p.Cys322Arg (NM_001257198.2); short protein forms C316R, C250R, C322R.
Identifiers: ClinVar variation 3650206 (VCV003650206.2).